The following is an entry in ClinVar:

ClinVar aggregate classification (germline): Uncertain significance. Review status: criteria provided, multiple submitters, no conflicts (2 of 4 stars). 2 submissions from 2 submitters: Uncertain significance (2). Last evaluated 2025-06-28.

Conditions:
RYR1-related disorder. Also called: RYR1-related condition; RYR1-related disorders. Identifiers: MedGen CN239331.

Submissions (2):

GeneDx
Classification: Uncertain significance. Last evaluated: 2025-06-28. Review status: criteria provided, single submitter. Criteria: GeneDx Variant Classification Process June 2021. Collection method: clinical testing. Allele origin: germline. Affected: yes.
Comment: Not observed at significant frequency in large population cohorts (gnomAD); In silico analysis supports that this missense variant has a deleterious effect on protein structure/function; Has not been previously published as pathogenic or benign to our knowledge

Labcorp Genetics (formerly Invitae), Labcorp
Classification: Uncertain significance for RYR1-related disorder. Last evaluated: 2024-10-11. Review status: criteria provided, single submitter. Criteria: Invitae Variant Classification Sherloc (09022015). Collection method: clinical testing. Allele origin: germline.
Comment: This sequence change replaces asparagine, which is neutral and polar, with threonine, which is neutral and polar, at codon 4123 of the RYR1 protein (p.Asn4123Thr). This variant is not present in population databases (gnomAD no frequency). This variant has not been reported in the literature in individuals affected with RYR1-related conditions. Invitae Evidence Modeling of protein sequence and biophysical properties (such as structural, functional, and spatial information, amino acid conservation, physicochemical variation, residue mobility, and thermodynamic stability) indicates that this missense variant is not expected to disrupt RYR1 protein function with a negative predictive value of 80%. In summary, the available evidence is currently insufficient to determine the role of this variant in disease. Therefore, it has been classified as a Variant of Uncertain Significance.

NM_000540.3(RYR1):c.12368A>C (p.Asn4123Thr)

Gene: RYR1 (ryanodine receptor 1; plus strand). Cytogenetic location: 19q13.2.
Variant type: single nucleotide variant.
Coding change: c.12368A>C on transcript NM_000540.3 (MANE Select); coding-DNA position 12368, A replaced by C.
Protein change: p.Asn4123Thr; replaces asparagine 4123 with threonine.
Molecular consequence: missense variant.
Genome position (GRCh38, 1-based): chr19:38,561,198, A>C. VCF-style: chr19-38561198-A-C. GRCh37 (hg19) VCF-style: chr19-39051838-A-C.
Other names: c.12353A>C, p.Asn4118Thr (NM_001042723.2); short protein forms N4123T, N4118T.
Identifiers: ClinVar variation 3708681 (VCV003708681.3).